The following is an entry in ClinVar:

ClinVar aggregate classification (germline): Likely benign (0 of 4 stars; one submission).

Conditions:
HK1-related disorder. Also called: HK1-related condition; HK1-related disorders.

gnomAD v4.1: 3 of 1,614,234 alleles (0.00019%); highest among the groups gnomAD compares: Middle Eastern, 0.049%; no homozygotes.

Submission:

PreventionGenetics, part of Exact Sciences
Classification: Likely benign for HK1-related condition. Last evaluated: 2019-02-21. Review status: no assertion criteria provided. Collection method: clinical testing. Allele origin: germline.
Comment: This variant is classified as likely benign based on ACMG/AMP sequence variant interpretation guidelines (Richards et al. 2015 PMID: 25741868, with internal and published modifications).

NM_000188.3(HK1):c.1101C>T (p.Asp367=)

Gene: HK1 (hexokinase 1; plus strand). Cytogenetic location: 10q22.1.
Variant type: single nucleotide variant.
Coding change: c.1101C>T on transcript NM_000188.3 (MANE Select); coding-DNA position 1101, C replaced by T.
Protein change: p.Asp367=; no amino-acid change (aspartic acid 367 retained).
Molecular consequence: synonymous variant.
Genome position (GRCh38, 1-based): chr10:69,379,931, C>T. VCF-style: chr10-69379931-C-T. GRCh37 (hg19) VCF-style: chr10-71139687-C-T.
Other names: c.1113C>T, p.Asp371= (NM_001322364.2, NM_001358263.1, NM_033497.3 and 1 more transcripts); c.1206C>T, p.Asp402= (NM_001322365.2); c.1017C>T, p.Asp339= (NM_001322366.1); c.1005C>T, p.Asp335= (NM_001322367.1); c.1098C>T, p.Asp366= (NM_033496.3); c.1065C>T, p.Asp355= (NM_033500.2).
Identifiers: ClinVar variation 3352899 (VCV003352899.1).